The following is an entry in ClinVar:

ClinVar aggregate classification (germline): Uncertain significance. Review status: criteria provided, multiple submitters, no conflicts (2 of 4 stars). 2 submissions from 2 submitters: Uncertain significance (2). Last evaluated 2024-01-29.

Conditions:
Oligodontia-cancer predisposition syndrome. Also called: TOOTH AGENESIS-COLORECTAL CANCER SYNDROME. Identifiers: Orphanet 300576, MedGen C1837750, MONDO:0012075, OMIM 608615. Disease mechanism: loss of function.
Hereditary cancer-predisposing syndrome. Also called: Neoplastic Syndromes, Hereditary; Tumor predisposition; Hereditary neoplastic syndrome; Hereditary Cancer Syndrome. Identifiers: Orphanet 140162, MedGen C0027672, MeSH D009386, MONDO:0015356.

Submissions (2):

Ambry Genetics
Classification: Uncertain significance for Hereditary cancer-predisposing syndrome. Last evaluated: 2024-01-29. Review status: criteria provided, single submitter. Criteria: Ambry Variant Classification Scheme 2023. Collection method: clinical testing. Allele origin: germline.
Comment: The p.T536K variant (also known as c.1607C>A), located in coding exon 5 of the AXIN2 gene, results from a C to A substitution at nucleotide position 1607. The threonine at codon 536 is replaced by lysine, an amino acid with similar properties. This amino acid position is conserved. In addition, this alteration is predicted to be tolerated by in silico analysis. Based on the available evidence, the clinical significance of this alteration remains unclear.

Labcorp Genetics (formerly Invitae), Labcorp
Classification: Uncertain significance for Oligodontia-cancer predisposition syndrome. Last evaluated: 2019-01-25. Review status: criteria provided, single submitter. Criteria: Invitae Variant Classification Sherloc (09022015). Collection method: clinical testing. Allele origin: germline.
Comment: Algorithms developed to predict the effect of missense changes on protein structure and function (SIFT, PolyPhen-2, Align-GVGD) all suggest that this variant is likely to be tolerated, but these predictions have not been confirmed by published functional studies and their clinical significance is uncertain. This variant has not been reported in the literature in individuals with AXIN2-related conditions. ClinVar contains an entry for this variant (Variation ID: 566618). This variant is not present in population databases (ExAC no frequency). This sequence change replaces threonine with lysine at codon 536 of the AXIN2 protein (p.Thr536Lys). The threonine residue is weakly conserved and there is a moderate physicochemical difference between threonine and lysine. In summary, the available evidence is currently insufficient to determine the role of this variant in disease. Therefore, it has been classified as a Variant of Uncertain Significance.

NM_004655.4(AXIN2):c.1607C>A (p.Thr536Lys)

Gene: AXIN2 (axin 2; minus strand). Cytogenetic location: 17q24.1.
Variant type: single nucleotide variant.
Coding change: c.1607C>A on transcript NM_004655.4 (MANE Select); coding-DNA position 1607, C replaced by A.
Protein change: p.Thr536Lys; replaces threonine 536 with lysine.
Molecular consequence: missense variant.
Genome position (GRCh38, 1-based): chr17:65,537,429, G>T on the plus strand (C>A on the coding strand, the complement: AXIN2 is on the minus strand). VCF-style: chr17-65537429-G-T. GRCh37 (hg19) VCF-style: chr17-63533547-G-T.
Other names: c.1607C>A (LRG_296t1); c.1607C>A, p.Thr536Lys (NM_001363813.1); short protein forms T536K.
Identifiers: ClinVar variation 566618 (VCV000566618.11), dbSNP rs750084404, ClinGen allele CA400677162.